The following is an entry in ClinVar:

NM_032043.3(BRIP1):c.582A>C (p.Lys194Asn)

Gene: BRIP1 (BRCA1 interacting DNA helicase 1; minus strand). Cytogenetic location: 17q23.2.
Variant type: single nucleotide variant.
Coding change: c.582A>C on transcript NM_032043.3 (MANE Select); coding-DNA position 582, A replaced by C.
Protein change: p.Lys194Asn; replaces lysine 194 with asparagine.
Molecular consequence: missense variant.
Genome position (GRCh38, 1-based): chr17:61,847,146, T>G on the plus strand (A>C on the coding strand, the complement: BRIP1 is on the minus strand). VCF-style: chr17-61847146-T-G. GRCh37 (hg19) VCF-style: chr17-59924507-T-G.
Other names: short protein forms K194N.
Identifiers: ClinVar variation 1749924 (VCV001749924.2), dbSNP rs796681126, ClinGen allele CA400482996.

ClinVar aggregate classification (germline): Uncertain significance (1 of 4 stars; one submission).

Conditions:
Hereditary cancer-predisposing syndrome. Also called: Hereditary Cancer Syndrome; Hereditary neoplastic syndrome; Neoplastic Syndromes, Hereditary; Tumor predisposition. Identifiers: Orphanet 140162, MedGen C0027672, MeSH D009386, MONDO:0015356.

Submission:

Ambry Genetics
Classification: Uncertain significance for Hereditary cancer-predisposing syndrome. Last evaluated: 2021-04-16. Review status: criteria provided, single submitter. Criteria: Ambry Variant Classification Scheme 2023. Collection method: clinical testing. Allele origin: germline.
Comment: The p.K194N variant (also known as c.582A>C), located in coding exon 5 of the BRIP1 gene, results from an A to C substitution at nucleotide position 582. The lysine at codon 194 is replaced by asparagine, an amino acid with similar properties. This amino acid position is well conserved in available vertebrate species. In addition, this alteration is predicted to be tolerated by in silico analysis. Since supporting evidence is limited at this time, the clinical significance of this alteration remains unclear.